The following is an entry in ClinVar:

ClinVar aggregate classification (germline): Uncertain significance. Review status: criteria provided, multiple submitters, no conflicts (2 of 4 stars). 2 submissions from 2 submitters: Uncertain significance (2). Last evaluated 2024-12-28.

Conditions:
Inborn genetic diseases. Identifiers: MedGen C0950123, MeSH D030342.

Allele frequency attached by ClinVar (database versions not stated): gnomAD 0.00006; ESP Exome Variant Server 0.00008; TOPMed 0.00013.
gnomAD v4.1: 123 of 1,614,092 alleles (0.0076%); highest among the groups gnomAD compares: Admixed American, 0.018%; no homozygotes.

Submissions (2):

GeneDx
Classification: Uncertain significance. Last evaluated: 2024-12-28. Review status: criteria provided, single submitter. Criteria: GeneDx Variant Classification Process June 2021. Collection method: clinical testing. Allele origin: germline. Affected: yes.
Comment: In silico analysis supports that this missense variant has a deleterious effect on protein structure/function; Has not been previously published as pathogenic or benign to our knowledge

Ambry Genetics
Classification: Uncertain significance for Inborn genetic diseases. Last evaluated: 2020-11-06. Review status: criteria provided, single submitter. Criteria: Ambry Variant Classification Scheme 2023. Collection method: clinical testing. Allele origin: germline.
Comment: The c.362G>C (p.R121P) alteration is located in exon 3 (coding exon 3) of the CTSF gene. This alteration results from a G to C substitution at nucleotide position 362, causing the arginine (R) at amino acid position 121 to be replaced by a proline (P). Based on data from the Genome Aggregation Database (gnomAD) database, the CTSF c.362G>C alteration was observed in 0.01% (23/282658) of total alleles studied, with a frequency of 0.02% (7/35432) in the Latino subpopulation. This amino acid position is well conserved in available vertebrate species. The p.R121P alteration is predicted to be tolerated by in silico analysis. Based on insufficient or conflicting evidence, the clinical significance of this alteration remains unclear.

NM_003793.4(CTSF):c.362G>C (p.Arg121Pro)

Gene: CTSF (cathepsin F; minus strand). Cytogenetic location: 11q13.2.
Variant type: single nucleotide variant.
Coding change: c.362G>C on transcript NM_003793.4 (MANE Select); coding-DNA position 362, G replaced by C.
Protein change: p.Arg121Pro; replaces arginine 121 with proline.
Molecular consequence: missense variant.
Genome position (GRCh38, 1-based): chr11:66,567,613, C>G on the plus strand (G>C on the coding strand, the complement: CTSF is on the minus strand). VCF-style: chr11-66567613-C-G. GRCh37 (hg19) VCF-style: chr11-66335084-C-G.
Other names: short protein forms R121P.
Identifiers: ClinVar variation 590162 (VCV000590162.6), dbSNP rs369135126, ClinGen allele CA6125604.